The following is an entry in ClinVar:

NM_000283.4(PDE6B):c.865G>C (p.Val289Leu)

Genes: PDE6B-AS1 (PDE6B antisense RNA 1; minus strand), PDE6B (phosphodiesterase 6B; plus strand). Cytogenetic location: 4p16.3.
Variant type: single nucleotide variant.
Coding change: c.865G>C on transcript NM_000283.4 (MANE Select); coding-DNA position 865, G replaced by C.
Protein change: p.Val289Leu; replaces valine 289 with leucine.
Molecular consequence: missense variant. On other transcripts: 5 prime UTR variant (1).
Genome position (GRCh38, 1-based): chr4:654,092, G>C. VCF-style: chr4-654092-G-C. GRCh37 (hg19) VCF-style: chr4-647881-G-C.
Other names: c.865G>C, p.Val289Leu (NM_001145291.2); c.28G>C, p.Val10Leu (NM_001145292.2, NM_001350154.3, NM_001379246.1 and 1 more transcripts); c.-176G>C (NM_001350155.3); short protein forms V10L, V289L.
Identifiers: ClinVar variation 964128 (VCV000964128.8), dbSNP rs377200859, ClinGen allele CA355911715.

ClinVar aggregate classification (germline): Uncertain significance (1 of 4 stars; one submission).

gnomAD v4.1: 2 of 1,613,740 alleles (0.00012%); highest among the groups gnomAD compares: South Asian, 0.0011%; no homozygotes.

Submission:

Labcorp Genetics (formerly Invitae), Labcorp
Classification: Uncertain significance. Last evaluated: 2022-07-11. Review status: criteria provided, single submitter. Criteria: Invitae Variant Classification Sherloc (09022015). Collection method: clinical testing. Allele origin: germline.
Comment: This sequence change replaces valine, which is neutral and non-polar, with leucine, which is neutral and non-polar, at codon 289 of the PDE6B protein (p.Val289Leu). This variant is not present in population databases (gnomAD no frequency). This variant has not been reported in the literature in individuals affected with PDE6B-related conditions. ClinVar contains an entry for this variant (Variation ID: 964128). Algorithms developed to predict the effect of missense changes on protein structure and function (SIFT, PolyPhen-2, Align-GVGD) all suggest that this variant is likely to be tolerated. In summary, the available evidence is currently insufficient to determine the role of this variant in disease. Therefore, it has been classified as a Variant of Uncertain Significance.